The following is an entry in ClinVar:

ClinVar aggregate classification (germline): Uncertain significance (1 of 4 stars; one submission).

Conditions:
X-linked myopathy with postural muscle atrophy. Also called: FHL1-Related Emery-Dreifuss Muscular Dystrophy, X-Linked. Identifiers: Orphanet 178461, MedGen C2678055, MONDO:0010401, OMIM 300696.

Allele frequency attached by ClinVar (database versions not stated): gnomAD exomes 0.00001 and 0.00003; ExAC 0.00002.

Submission:

Labcorp Genetics (formerly Invitae), Labcorp
Classification: Uncertain significance for X-linked myopathy with postural muscle atrophy. Last evaluated: 2021-11-19. Review status: criteria provided, single submitter. Criteria: Invitae Variant Classification Sherloc (09022015). Collection method: clinical testing. Allele origin: germline.
Comment: In summary, the available evidence is currently insufficient to determine the role of this variant in disease. Therefore, it has been classified as a Variant of Uncertain Significance. Algorithms developed to predict the effect of missense changes on protein structure and function are either unavailable or do not agree on the potential impact of this missense change (SIFT: "Tolerated"; PolyPhen-2: "Possibly Damaging"; Align-GVGD: "Class C0"). This variant has not been reported in the literature in individuals affected with FHL1-related conditions. This variant is present in population databases (rs749265329, gnomAD 0.02%). This sequence change replaces lysine, which is basic and polar, with glutamic acid, which is acidic and polar, at codon 262 of the FHL1 protein (p.Lys262Glu).

NM_001159699.2(FHL1):c.832A>G (p.Lys278Glu)

Gene: FHL1 (four and a half LIM domains 1; plus strand). Cytogenetic location: Xq26.3.
Variant type: single nucleotide variant.
Coding change: c.832A>G on transcript NM_001159699.2 (MANE Select); coding-DNA position 832, A replaced by G.
Protein change: p.Lys278Glu; replaces lysine 278 with glutamic acid.
Molecular consequence: missense variant. On other transcripts: 3 prime UTR variant (6), non-coding transcript variant (1).
Genome position (GRCh38, 1-based): chrX:136,209,966, A>G. VCF-style: chrX-136209966-A-G. GRCh37 (hg19) VCF-style: chrX-135292125-A-G.
Other names: c.784A>G, p.Lys262Glu (NM_001159700.2, NM_001159704.1, NM_001167819.1 and 4 more transcripts); c.871A>G, p.Lys291Glu (NM_001159701.2); c.*12A>G (NM_001159702.3, NM_001159703.2, NM_001330659.2 and 3 more transcripts); short protein forms K262E, K278E, K291E.
Identifiers: ClinVar variation 1444440 (VCV001444440.6), dbSNP rs749265329, ClinGen allele CA10525131.